The following is an entry in ClinVar:

ClinVar aggregate classification (germline): Uncertain significance (1 of 4 stars; one submission).

Conditions:
Pheochromocytoma/paraganglioma syndrome 3. Also called: GLOMUS TUMORS, FAMILIAL, 3; Paragangliomas 3; SDHC-Related Hereditary Paraganglioma-Pheochromocytoma Syndrome (Paragangliomas 3); SDHC-Related Hereditary Paraganglioma-Pheochromocytoma Syndrome. Identifiers: Orphanet 29072, MedGen C1854336, MONDO:0011544, OMIM 605373.
Gastrointestinal stromal tumor. Also called: Gastrointestinal stromal tumor, somatic; Gastrointestinal stroma tumor. Identifiers: Orphanet 44890, MedGen C0238198, MeSH D046152, MONDO:0011719, OMIM 606764, HP:0100723.

Submission:

Labcorp Genetics (formerly Invitae), Labcorp
Classification: Uncertain significance for Pheochromocytoma/paraganglioma syndrome 3; Gastrointestinal stromal tumor. Last evaluated: 2019-09-02. Review status: criteria provided, single submitter. Criteria: Invitae Variant Classification Sherloc (09022015). Collection method: clinical testing. Allele origin: germline.
Comment: In summary, the available evidence is currently insufficient to determine the role of this variant in disease. Therefore, it has been classified as a Variant of Uncertain Significance. This variant has not been reported in the literature in individuals with SDHC-related conditions. This variant results in a copy number gain of the genomic region encompassing exons 1-3 of the SDHC gene, which includes the initiator codon. The 5' end of this event is unknown as it extends beyond the assayed region for this gene and therefore may encompass additional genes. The 3' boundary is likely confined to intron 3 of the SDHC gene. As the precise location of this event is unknown, it may be in tandem or it may be located elsewhere in the genome.

NC_000001.11:g.(?_161314368)_(161328507_?)dup

Gene: SDHC (succinate dehydrogenase complex subunit C; plus strand). Cytogenetic location: 1q23.3.
Variant type: Duplication.
Identifiers: ClinVar variation 833056 (VCV000833056.14).